The following is an entry in ClinVar:

NM_002470.4(MYH3):c.3838C>T (p.Arg1280Cys)

Gene: MYH3 (myosin heavy chain 3; minus strand). Cytogenetic location: 17p13.1.
Variant type: single nucleotide variant.
Coding change: c.3838C>T on transcript NM_002470.4 (MANE Select); coding-DNA position 3838, C replaced by T.
Protein change: p.Arg1280Cys; replaces arginine 1280 with cysteine.
Molecular consequence: missense variant.
Genome position (GRCh38, 1-based): chr17:10,637,827, G>A on the plus strand (C>T on the coding strand, the complement: MYH3 is on the minus strand). VCF-style: chr17-10637827-G-A. GRCh37 (hg19) VCF-style: chr17-10541144-G-A.
Other names: c.3838C>T (NM_002470.3); short protein forms R1280C.
Identifiers: ClinVar variation 2778845 (VCV002778845.6), dbSNP rs745487226, ClinGen allele CA8392398.

ClinVar aggregate classification (germline): Uncertain significance. Review status: criteria provided, multiple submitters, no conflicts (2 of 4 stars). 3 submissions from 3 submitters: Uncertain significance (3). Last evaluated 2025-12-25.

Conditions:
Inborn genetic diseases. Identifiers: MedGen C0950123, MeSH D030342.
Freeman-Sheldon syndrome (DA2A). Also called: CRANIOCARPOTARSAL DYSPLASIA; CRANIOCARPOTARSAL DYSTROPHY; WHISTLING FACE-WINDMILL VANE HAND SYNDROME; Arthrogryposis, distal, type 2A (Freeman-Sheldon). Identifiers: Orphanet 2053, MedGen C0265224, MONDO:0008675, OMIM 193700.

Allele frequency attached by ClinVar (database versions not stated): ExAC 0.00002; gnomAD exomes 0.00002.
gnomAD v4.1: 24 of 1,614,150 alleles (0.0015%); highest among the groups gnomAD compares: Middle Eastern, 0.017%; no homozygotes.

Submissions (3):

Labcorp Genetics (formerly Invitae), Labcorp
Classification: Uncertain significance. Last evaluated: 2025-12-25. Review status: criteria provided, single submitter. Criteria: Invitae Variant Classification Sherloc (09022015). Collection method: clinical testing. Allele origin: germline.
Comment: This sequence change replaces arginine, which is basic and polar, with cysteine, which is neutral and slightly polar, at codon 1280 of the MYH3 protein (p.Arg1280Cys). This variant is present in population databases (rs745487226, gnomAD 0.005%). This variant has not been reported in the literature in individuals affected with MYH3-related conditions. ClinVar contains an entry for this variant (Variation ID: 2778845). Invitae Evidence Modeling of protein sequence and biophysical properties (such as structural, functional, and spatial information, amino acid conservation, physicochemical variation, residue mobility, and thermodynamic stability) indicates that this missense variant is not expected to disrupt MYH3 protein function with a negative predictive value of 95%. In summary, the available evidence is currently insufficient to determine the role of this variant in disease. Therefore, it has been classified as a Variant of Uncertain Significance.

Dasa
Classification: Uncertain significance for Freeman-Sheldon syndrome. Last evaluated: 2025-10-28. Review status: criteria provided, single submitter. Criteria: DASA Assertion Criteria. Collection method: clinical testing. Allele origin: germline.
Comment: NM_002470.4(MYH3):c.3838C>T (p.Arg1280Cys) is a missense variant that results in the substitution of arginine with cysteine. This variant is rare in population databases. The currently available literature and clinical evidence are not sufficient to establish a definitive association between this variant and the reported condition. Therefore, this variant is classified as a variant of uncertain significance.

Ambry Genetics
Classification: Uncertain significance for Inborn genetic diseases. Last evaluated: 2024-10-29. Review status: criteria provided, single submitter. Criteria: Ambry Variant Classification Scheme 2023. Collection method: clinical testing. Allele origin: germline.